The following is an entry in ClinVar:

NM_024675.4(PALB2):c.1845del (p.Asp616fs)

Gene: PALB2 (partner and localizer of BRCA2; minus strand). Cytogenetic location: 16p12.2.
Variant type: Deletion.
Coding change: c.1845del on transcript NM_024675.4 (MANE Select); coding-DNA position 1845, one base deleted (T; older notation c.1845delT).
Protein change: p.Asp616fs; shifts the reading frame from aspartic acid 616.
Molecular consequence: frameshift variant.
Genome position (GRCh38, 1-based): chr16:23,630,309, A deleted on the plus strand (T on the coding strand, the reverse complement: PALB2 is on the minus strand). VCF-style (leftmost placement, unchanged base first): chr16-23630308-CA-C. GRCh37 (hg19) VCF-style: chr16-23641629-CA-C.
Other names: c.1845delT (NM_024675.3); short protein forms D616fs.
Identifiers: ClinVar variation 545835 (VCV000545835.5), dbSNP rs1555460627, ClinGen allele CA658823895.

ClinVar aggregate classification (germline): Pathogenic/Likely pathogenic. Review status: criteria provided, multiple submitters, no conflicts (2 of 4 stars). 2 submissions from 2 submitters: Pathogenic (1); Likely pathogenic (1). Last evaluated 2022-11-02.

Conditions:
Familial cancer of breast. Also called: Hereditary breast cancer; hereditary breast carcinoma; BREAST CANCER, FAMILIAL. Identifiers: Orphanet 227535, MedGen C0346153, MONDO:0016419, OMIM 114480. Disease mechanism: loss of function.

Submissions (2):

Labcorp Genetics (formerly Invitae), Labcorp
Classification: Pathogenic for Familial cancer of breast. Last evaluated: 2022-11-02. Review status: criteria provided, single submitter. Criteria: Invitae Variant Classification Sherloc (09022015). Collection method: clinical testing. Allele origin: germline.
Comment: For these reasons, this variant has been classified as Pathogenic. ClinVar contains an entry for this variant (Variation ID: 545835). This variant has not been reported in the literature in individuals affected with PALB2-related conditions. This variant is not present in population databases (gnomAD no frequency). This sequence change creates a premature translational stop signal (p.Asp616Metfs*12) in the PALB2 gene. It is expected to result in an absent or disrupted protein product. Loss-of-function variants in PALB2 are known to be pathogenic (PMID: 17200668, 17200671, 17200672, 24136930, 25099575).

GeneDx
Classification: Likely pathogenic. Last evaluated: 2017-11-01. Review status: criteria provided, single submitter. Criteria: GeneDx Variant Classification (06012015). Collection method: clinical testing. Allele origin: germline. Affected: yes.
Comment: This deletion of one nucleotide in PALB2 is denoted c.1845delT at the cDNA level and p.Asp616MetfsX12 (D616MfsX12) at the protein level. The normal sequence, with the base that is deleted in brackets, is TACC[delT]GATG. The deletion causes a frameshift which changes an Aspartic Acid to a Methionine at codon 616, and creates a premature stop codon at position 12 of the new reading frame. Although this variant has not, to our knowledge, been reported in the literature, it is predicted to cause loss of normal protein function through either protein truncation or nonsense-mediated mRNA decay. Based on the currently available information, we consider this deletion to be a likely pathogenic variant.

Literature cited by the submitters: PubMed 17200668 (cited by Labcorp Genetics (formerly Invitae), Labcorp); PubMed 17200671 (cited by Labcorp Genetics (formerly Invitae), Labcorp); PubMed 17200672 (cited by Labcorp Genetics (formerly Invitae), Labcorp); PubMed 24136930 (cited by Labcorp Genetics (formerly Invitae), Labcorp); PubMed 25099575 (cited by Labcorp Genetics (formerly Invitae), Labcorp).